The following is an entry in ClinVar:

NM_004991.4(MECOM):c.3230A>C (p.Asp1077Ala)

Gene: MECOM (MDS1 and EVI1 complex locus; minus strand). Cytogenetic location: 3q26.2.
Variant type: single nucleotide variant.
Coding change: c.3230A>C on transcript NM_004991.4 (MANE Select); coding-DNA position 3230, A replaced by C.
Protein change: p.Asp1077Ala; replaces aspartic acid 1077 with alanine.
Molecular consequence: missense variant.
Genome position (GRCh38, 1-based): chr3:169,090,171, T>G on the plus strand (A>C on the coding strand, the complement: MECOM is on the minus strand). VCF-style: chr3-169090171-T-G. GRCh37 (hg19) VCF-style: chr3-168807959-T-G.
Other names: c.2861A>C, p.Asp954Ala (NM_001105077.4); c.2666A>C, p.Asp889Ala (NM_001105078.4, NM_001205194.2, NM_001366469.2 and 1 more transcripts); c.2642A>C, p.Asp881Ala (NM_001163999.2, NM_001366470.2); c.2639A>C, p.Asp880Ala (NM_001164000.2, NM_001366471.2, NM_001366472.2); c.3203A>C, p.Asp1068Ala (NM_001366466.2); c.2669A>C, p.Asp890Ala (NM_001366467.2, NM_001366468.2); c.2231A>C, p.Asp744Ala (NM_001366473.2); c.1667A>C, p.Asp556Ala (NM_001366474.2); short protein forms D1068A, D1077A, D556A, D881A, D954A, D880A, D744A, D889A.
Identifiers: ClinVar variation 3394372 (VCV003394372.1).

ClinVar aggregate classification (germline): Uncertain significance (1 of 4 stars; one submission).

Conditions:
Inborn genetic diseases. Identifiers: MedGen C0950123, MeSH D030342.

Submission:

Ambry Genetics
Classification: Uncertain significance for Inborn genetic diseases. Last evaluated: 2024-12-06. Review status: criteria provided, single submitter. Criteria: Ambry Variant Classification Scheme 2023. Collection method: clinical testing. Allele origin: germline.
Comment: The p.D1077A variant (also known as c.3230A>C), located in coding exon 15 of the MECOM gene, results from an A to C substitution at nucleotide position 3230. The aspartic acid at codon 1077 is replaced by alanine, an amino acid with dissimilar properties. This amino acid position is conserved. In addition, this alteration is predicted to be tolerated by in silico analysis. Based on the available evidence, the clinical significance of this variant remains unclear.